The following is an entry in ClinVar:

NM_006766.5(KAT6A):c.4469C>T (p.Pro1490Leu)

Gene: KAT6A (lysine acetyltransferase 6A; minus strand). Cytogenetic location: 8p11.21.
Variant type: single nucleotide variant.
Coding change: c.4469C>T on transcript NM_006766.5 (MANE Select); coding-DNA position 4469, C replaced by T.
Protein change: p.Pro1490Leu; replaces proline 1490 with leucine.
Molecular consequence: missense variant.
Genome position (GRCh38, 1-based): chr8:41,933,751, G>A on the plus strand (C>T on the coding strand, the complement: KAT6A is on the minus strand). VCF-style: chr8-41933751-G-A. GRCh37 (hg19) VCF-style: chr8-41791269-G-A.
Other names: short protein forms P1490L.
Identifiers: ClinVar variation 2717926 (VCV002717926.3), dbSNP rs2486754642, ClinGen allele CA371065749.

ClinVar aggregate classification (germline): Uncertain significance (1 of 4 stars; one submission).

Submission:

Labcorp Genetics (formerly Invitae), Labcorp
Classification: Uncertain significance. Last evaluated: 2023-06-16. Review status: criteria provided, single submitter. Criteria: Invitae Variant Classification Sherloc (09022015). Collection method: clinical testing. Allele origin: germline.
Comment: This sequence change replaces proline, which is neutral and non-polar, with leucine, which is neutral and non-polar, at codon 1490 of the KAT6A protein (p.Pro1490Leu). In summary, the available evidence is currently insufficient to determine the role of this variant in disease. Therefore, it has been classified as a Variant of Uncertain Significance. Advanced modeling of protein sequence and biophysical properties (such as structural, functional, and spatial information, amino acid conservation, physicochemical variation, residue mobility, and thermodynamic stability) performed at Invitae indicates that this missense variant is not expected to disrupt KAT6A protein function. This variant has not been reported in the literature in individuals affected with KAT6A-related conditions. This variant is not present in population databases (gnomAD no frequency).